The following is an entry in ClinVar:

ClinVar aggregate classification (germline): Uncertain significance. Review status: criteria provided, multiple submitters, no conflicts (2 of 4 stars). 2 submissions from 2 submitters: Uncertain significance (2). Last evaluated 2024-06-11.

Conditions:
POLD1-related polyposis and colorectal cancer syndrome (CRCS10). Also called: Colorectal cancer 10; COLORECTAL CANCER, SUSCEPTIBILITY TO, ON CHROMOSOME 19q; Colorectal cancer, susceptibility to, 10. Identifiers: Orphanet 220460, MedGen C2675481, MONDO:0012953, OMIM 612591.

Submissions (2):

Labcorp Genetics (formerly Invitae), Labcorp
Classification: Uncertain significance for POLD1-related polyposis and colorectal cancer syndrome. Last evaluated: 2024-06-11. Review status: criteria provided, single submitter. Criteria: Invitae Variant Classification Sherloc (09022015). Collection method: clinical testing. Allele origin: germline.
Comment: This sequence change replaces glycine, which is neutral and non-polar, with arginine, which is basic and polar, at codon 157 of the POLD1 protein (p.Gly157Arg). This variant is not present in population databases (gnomAD no frequency). This variant has not been reported in the literature in individuals affected with POLD1-related conditions. Advanced modeling of protein sequence and biophysical properties (such as structural, functional, and spatial information, amino acid conservation, physicochemical variation, residue mobility, and thermodynamic stability) performed at Invitae indicates that this missense variant is not expected to disrupt POLD1 protein function with a negative predictive value of 80%. In summary, the available evidence is currently insufficient to determine the role of this variant in disease. Therefore, it has been classified as a Variant of Uncertain Significance.

GeneDx
Classification: Uncertain significance. Last evaluated: 2024-01-19. Review status: criteria provided, single submitter. Criteria: GeneDx Variant Classification Process June 2021. Collection method: clinical testing. Allele origin: germline. Affected: yes.
Comment: Not observed at significant frequency in large population cohorts (gnomAD); In silico analysis supports that this missense variant does not alter protein structure/function; Has not been previously published as pathogenic or benign to our knowledge

NM_002691.4(POLD1):c.469G>C (p.Gly157Arg)

Gene: POLD1 (DNA polymerase delta 1, catalytic subunit; plus strand). Cytogenetic location: 19q13.33.
Variant type: single nucleotide variant.
Coding change: c.469G>C on transcript NM_002691.4 (MANE Select); coding-DNA position 469, G replaced by C.
Protein change: p.Gly157Arg; replaces glycine 157 with arginine.
Molecular consequence: missense variant. On other transcripts: non-coding transcript variant (1).
Genome position (GRCh38, 1-based): chr19:50,402,004, G>C. VCF-style: chr19-50402004-G-C. GRCh37 (hg19) VCF-style: chr19-50905261-G-C.
Other names: c.469G>C, p.Gly157Arg (NM_001256849.1, NM_001308632.1); short protein forms G157R.
Identifiers: ClinVar variation 3368106 (VCV003368106.3).